The following is an entry in ClinVar:

NM_031443.4(CCM2):c.638T>C (p.Leu213Pro)

Gene: CCM2 (CCM2 scaffold protein; plus strand). Cytogenetic location: 7p13.
Variant type: single nucleotide variant.
Coding change: c.638T>C on transcript NM_031443.4 (MANE Select); coding-DNA position 638, T replaced by C.
Protein change: p.Leu213Pro; replaces leucine 213 with proline.
Molecular consequence: missense variant. On other transcripts: non-coding transcript variant (1), intron variant (1).
Genome position (GRCh38, 1-based): chr7:45,069,854, T>C. VCF-style: chr7-45069854-T-C. GRCh37 (hg19) VCF-style: chr7-45109453-T-C.
Other names: c.701T>C, p.Leu234Pro (NM_001029835.2); c.464T>C, p.Leu155Pro (NM_001167934.2, NM_001363459.2); c.638T>C, p.Leu213Pro (NM_001363458.2); c.473-2872T>C (NM_001167935.2); short protein forms L213P, L234P, L155P.
Identifiers: ClinVar variation 655527 (VCV000655527.14), dbSNP rs1583983649, ClinGen allele CA367430550.

ClinVar aggregate classification (germline): Conflicting classifications of pathogenicity. Review status: criteria provided, conflicting classifications (1 of 4 stars). 2 submissions from 2 submitters: Likely pathogenic (1); Uncertain significance (1). Last evaluated 2025-11-23.

Conditions:
Cerebral cavernous malformation (CCM). Also called: Cerebral cavernous hemangioma (type); Cerebral cavernous malformations; Cavernous Hemangioma of Brain; CAVERNOUS ANGIOMA, FAMILIAL; CAVERNOUS ANGIOMATOUS MALFORMATIONS; CEREBRAL CAPILLARY MALFORMATIONS. Identifiers: Orphanet 221061, MedGen C2919945, MONDO:0000820, OMIM 116860, HP:0033522.
Cerebral cavernous malformation 2. Also called: Familial Cerebral Cavernous Malformation 2. Identifiers: Orphanet 221061, MedGen C1864041, MONDO:0011304, OMIM 603284.

Submissions (2):

Labcorp Genetics (formerly Invitae), Labcorp
Classification: Uncertain significance for Cerebral cavernous malformation 2. Last evaluated: 2025-11-23. Review status: criteria provided, single submitter. Criteria: Invitae Variant Classification Sherloc (09022015). Collection method: clinical testing. Allele origin: germline.
Comment: This sequence change replaces leucine, which is neutral and non-polar, with proline, which is neutral and non-polar, at codon 213 of the CCM2 protein (p.Leu213Pro). This variant is not present in population databases (gnomAD no frequency). This missense change has been observed in individuals with cerebral cavernous malformations (PMID: 25525273, 36629374; internal data). ClinVar contains an entry for this variant (Variation ID: 655527). Invitae Evidence Modeling of protein sequence and biophysical properties (such as structural, functional, and spatial information, amino acid conservation, physicochemical variation, residue mobility, and thermodynamic stability) indicates that this missense variant is not expected to disrupt CCM2 protein function with a negative predictive value of 80%. Experimental studies have shown that this missense change affects CCM2 function (PMID: 25525273). In summary, the available evidence is currently insufficient to determine the role of this variant in disease. Therefore, it has been classified as a Variant of Uncertain Significance.

Swedish Neurofibromatosis Center, Swedish Medical Center
Classification: Likely pathogenic for Cerebral cavernous malformation. Last evaluated: 2019-12-18. Review status: criteria provided, single submitter. Criteria: ACMG Guidelines, 2015. Collection method: clinical testing. Allele origin: germline. Inheritance: Autosomal dominant inheritance. Affected: yes. Observed: 1 heterozygote.
Comment: 1. This sequence change replaces leucine with proline at codon 213 of the CCM2 protein (p.Leu213Pro). The leucine residue is highly conserved and there is a moderate physicochemical difference between leucine and proline. 2. This variant is not present in population databases (ExAC no frequency). 3. This variant has been observed in an individual with clinical features of cerebral cavernous malformation (PMID: 25525273). 4. Experimental studies have shown that this missense change results in significantly reduced solubility in vitro, affecting the stability of the protein (PMID: 25525273).

Literature cited by the submitters: PubMed 25525273 (cited by Labcorp Genetics (formerly Invitae), Labcorp); PubMed 36629374 (cited by Labcorp Genetics (formerly Invitae), Labcorp).